The following is an entry in ClinVar:

NM_006469.5(IVNS1ABP):c.1311T>G (p.Asp437Glu)

Gene: IVNS1ABP (influenza virus NS1A binding protein; minus strand). Cytogenetic location: 1q25.3.
Variant type: single nucleotide variant.
Coding change: c.1311T>G on transcript NM_006469.5 (MANE Select); coding-DNA position 1311, T replaced by G.
Protein change: p.Asp437Glu; replaces aspartic acid 437 with glutamic acid.
Molecular consequence: missense variant.
Genome position (GRCh38, 1-based): chr1:185,300,275, A>C on the plus strand (T>G on the coding strand, the complement: IVNS1ABP is on the minus strand). VCF-style: chr1-185300275-A-C. GRCh37 (hg19) VCF-style: chr1-185269407-A-C.
Other names: short protein forms D437E.
Identifiers: ClinVar variation 5020624 (VCV005020624.1).

ClinVar aggregate classification (germline): Uncertain significance (1 of 4 stars; one submission).

gnomAD v4.1: 8 of 1,613,264 alleles (0.0005%); highest among the groups gnomAD compares: Middle Eastern, 0.016%; no homozygotes.

Submission:

Dasa
Classification: Uncertain significance. Last evaluated: 2026-05-04. Review status: criteria provided, single submitter. Criteria: DASA Assertion Criteria. Collection method: clinical testing. Allele origin: germline.
Comment: NM_006469.5(IVNS1ABP):c.1311T>G (p.Asp437Glu) is a missense variant that results in the substitution of aspartic acid with glutamic acid. This variant is rare in population databases. The currently available literature and clinical evidence are not sufficient to establish a definitive association between this variant and the reported condition. Therefore, this variant is classified as a variant of uncertain significance.